The following is an entry in ClinVar:

NM_004548.3(NDUFB10):c.216GGA[2] (p.Glu74del)

Gene: NDUFB10 (NADH:ubiquinone oxidoreductase subunit B10; plus strand). Cytogenetic location: 16p13.3.
Variant type: Microsatellite.
Coding change: c.216GGA[2] on transcript NM_004548.3 (MANE Select); two copies in a row of the 3-base unit GGA starting at c.216; the reference has three copies in a row; one copy, 3 bases deleted.
Protein change: p.Glu74del; deletes glutamic acid 74.
Molecular consequence: inframe deletion.
Genome position (GRCh38, 1-based): chr16:1,961,244-1,961,246, GGA deleted; deleting any 3 consecutive bases within chr16:1,961,237-1,961,246 gives the same sequence; the position shown is the placement nearest the transcript's 3' end. VCF-style (leftmost placement, unchanged base first): chr16-1961236-AAGG-A. GRCh37 (hg19) VCF-style: chr16-2011237-AAGG-A.
Other names: short protein forms E74del.
Identifiers: ClinVar variation 2713335 (VCV002713335.3), dbSNP rs781628562, ClinGen allele CA7823283.

ClinVar aggregate classification (germline): Uncertain significance (1 of 4 stars; one submission).

Submission:

Labcorp Genetics (formerly Invitae), Labcorp
Classification: Uncertain significance. Last evaluated: 2023-12-06. Review status: criteria provided, single submitter. Criteria: Invitae Variant Classification Sherloc (09022015). Collection method: clinical testing. Allele origin: germline.
Comment: This variant, c.222_224del, results in the deletion of 1 amino acid(s) of the NDUFB10 protein (p.Glu74del), but otherwise preserves the integrity of the reading frame. This variant is present in population databases (rs781628562, gnomAD 0.04%). This variant has not been reported in the literature in individuals affected with NDUFB10-related conditions. Experimental studies and prediction algorithms are not available or were not evaluated, and the functional significance of this variant is currently unknown. In summary, the available evidence is currently insufficient to determine the role of this variant in disease. Therefore, it has been classified as a Variant of Uncertain Significance.